The following is an entry in ClinVar:

NC_000013.10:g.(?_93879710)_(93879889_?)dup

Gene: GPC6 (glypican 6; plus strand). Cytogenetic location: 13q31.3.
Variant type: Duplication.
Identifiers: ClinVar variation 1448848 (VCV001448848.5).

ClinVar aggregate classification (germline): Uncertain significance (1 of 4 stars; one submission).

Submission:

Labcorp Genetics (formerly Invitae), Labcorp
Classification: Uncertain significance. Last evaluated: 2022-06-24. Review status: criteria provided, single submitter. Criteria: Invitae Variant Classification Sherloc (09022015). Collection method: clinical testing. Allele origin: germline.
Comment: In summary, the available evidence is currently insufficient to determine the role of this variant in disease. Therefore, it has been classified as a Variant of Uncertain Significance. Experimental studies and prediction algorithms are not available or were not evaluated, and the functional significance of this variant is currently unknown. This variant has not been reported in the literature in individuals affected with GPC6-related conditions. This variant results in a copy number gain of the genomic region encompassing exon(s) 1 of the GPC6 gene. This region includes the initiator codon of the gene. This copy number gain extends beyond the assayed region for this gene and therefore may encompass additional genes. As the precise location of this event is unknown, it may be in tandem or it may be located elsewhere in the genome.